The following is an entry in ClinVar:

NM_001018115.3(FANCD2):c.929G>T (p.Cys310Phe)

Genes: FANCD2 (FA complementation group D2; plus strand), LOC107303338 (3p25 FANCD2 Alu-mediated recombination region; plus strand). Cytogenetic location: 3p25.3.
Variant type: single nucleotide variant.
Coding change: c.929G>T on transcript NM_001018115.3 (MANE Select); coding-DNA position 929, G replaced by T.
Protein change: p.Cys310Phe; replaces cysteine 310 with phenylalanine.
Molecular consequence: missense variant.
Genome position (GRCh38, 1-based): chr3:10,043,090, G>T. VCF-style: chr3-10043090-G-T. GRCh37 (hg19) VCF-style: chr3-10084774-G-T.
Other names: c.929G>T, p.Cys310Phe (NM_001319984.2, NM_001374253.1, NM_001374254.1 and 1 more transcripts); short protein forms C310F.
Identifiers: ClinVar variation 1005160 (VCV001005160.8), dbSNP rs1251711461, ClinGen allele CA351729817.

ClinVar aggregate classification (germline): Uncertain significance (1 of 4 stars; one submission).

Conditions:
Fanconi anemia (FA). Also called: Fanconi's anemia. Identifiers: Orphanet 84, MedGen C0015625, MeSH D005199, MONDO:0019391.

Allele frequency attached by ClinVar (database versions not stated): gnomAD exomes below 0.00001.
gnomAD v4.1: 2 of 1,614,124 alleles (0.00012%); highest among the groups gnomAD compares: East Asian, 0.0045%; no homozygotes.

Submission:

Labcorp Genetics (formerly Invitae), Labcorp
Classification: Uncertain significance for Fanconi anemia. Last evaluated: 2025-10-23. Review status: criteria provided, single submitter. Criteria: Invitae Variant Classification Sherloc (09022015). Collection method: clinical testing. Allele origin: germline.
Comment: This sequence change replaces cysteine, which is neutral and slightly polar, with phenylalanine, which is neutral and non-polar, at codon 310 of the FANCD2 protein (p.Cys310Phe). The frequency data for this variant in the population databases is considered unreliable, as metrics indicate poor data quality at this position in the gnomAD database. This variant has not been reported in the literature in individuals affected with FANCD2-related conditions. ClinVar contains an entry for this variant (Variation ID: 1005160). Invitae Evidence Modeling of protein sequence and biophysical properties (such as structural, functional, and spatial information, amino acid conservation, physicochemical variation, residue mobility, and thermodynamic stability) indicates that this missense variant is not expected to disrupt FANCD2 protein function with a negative predictive value of 80%. In summary, the available evidence is currently insufficient to determine the role of this variant in disease. Therefore, it has been classified as a Variant of Uncertain Significance.